The following is an entry in ClinVar:

ClinVar aggregate classification (germline): Uncertain significance (1 of 4 stars; one submission).

Conditions:
Hereditary cancer-predisposing syndrome. Also called: Neoplastic Syndromes, Hereditary; Tumor predisposition; Hereditary Cancer Syndrome; Hereditary neoplastic syndrome. Identifiers: Orphanet 140162, MedGen C0027672, MeSH D009386, MONDO:0015356.

Submission:

Ambry Genetics
Classification: Uncertain significance for Hereditary cancer-predisposing syndrome. Last evaluated: 2025-07-07. Review status: criteria provided, single submitter. Criteria: Ambry Variant Classification Scheme 2023. Collection method: clinical testing. Allele origin: germline.
Comment: The p.K425N variant (also known as c.1275G>T), located in coding exon 13 of the BAP1 gene, results from a G to T substitution at nucleotide position 1275. The lysine at codon 425 is replaced by asparagine, an amino acid with similar properties. This amino acid position is conserved. In addition, this alteration is predicted to be tolerated by in silico analysis. Based on the available evidence, the clinical significance of this variant remains unclear.

NM_004656.4(BAP1):c.1275G>T (p.Lys425Asn)

Gene: BAP1 (BRCA1 associated deubiquitinase 1; minus strand). Cytogenetic location: 3p21.1.
Variant type: single nucleotide variant.
Coding change: c.1275G>T on transcript NM_004656.4 (MANE Select); coding-DNA position 1275, G replaced by T.
Protein change: p.Lys425Asn; replaces lysine 425 with asparagine.
Molecular consequence: missense variant.
Genome position (GRCh38, 1-based): chr3:52,403,870, C>A on the plus strand (G>T on the coding strand, the complement: BAP1 is on the minus strand). VCF-style: chr3-52403870-C-A. GRCh37 (hg19) VCF-style: chr3-52437886-C-A.
Other names: c.1221G>T, p.Lys407Asn (NM_001410772.1); short protein forms K425N, K407N.
Identifiers: ClinVar variation 4194557 (VCV004194557.1).